The following is an entry in ClinVar:

NM_000051.4(ATM):c.4776+10del

Gene: ATM (ATM serine/threonine kinase; plus strand). Cytogenetic location: 11q22.3.
Variant type: Deletion.
Coding change: c.4776+10del on transcript NM_000051.4 (MANE Select); 10 bases into the intron after coding-DNA position 4776, one base deleted (A; older notation c.4776+10delA).
Molecular consequence: intron variant.
Genome position (GRCh38, 1-based): chr11:108,293,487, A deleted; the last of 5 consecutive A bases (chr11:108,293,483-108,293,487); deleting any one gives the same sequence. VCF-style (leftmost placement, unchanged base first): chr11-108293482-TA-T. GRCh37 (hg19) VCF-style: chr11-108164209-TA-T.
Other names: c.4776+10del (NM_001351834.2); c.4776+10delA (NM_000051.3).
Identifiers: ClinVar variation 236722 (VCV000236722.14), dbSNP rs878853512, ClinGen allele CA10582821.

ClinVar aggregate classification (germline): Likely benign. Review status: criteria provided, multiple submitters, no conflicts (2 of 4 stars). 3 submissions from 3 submitters: Likely benign (3). Last evaluated 2024-05-21.

Conditions:
Hereditary cancer-predisposing syndrome. Also called: Tumor predisposition; Hereditary Cancer Syndrome; Hereditary neoplastic syndrome; Neoplastic Syndromes, Hereditary. Identifiers: Orphanet 140162, MedGen C0027672, MeSH D009386, MONDO:0015356.
Ataxia-telangiectasia syndrome (AT). Also called: Ataxia telangiectasia (A-T); LOUIS-BAR SYNDROME; Cerebello-oculocutaneous telangiectasia; Immunodeficiency with ataxia telangiectasia; ATAXIA-TELANGIECTASIA, COMPLEMENTATION GROUP A; ATAXIA-TELANGIECTASIA, FRESNO VARIANT. Identifiers: Orphanet 100, MedGen C0004135, MONDO:0008840, OMIM 208900.
Familial cancer of breast. Also called: hereditary breast carcinoma; BREAST CANCER, FAMILIAL; Hereditary breast cancer. Identifiers: Orphanet 227535, MedGen C0346153, MONDO:0016419, OMIM 114480. Disease mechanism: loss of function.

Submissions (3):

Myriad Genetics, Inc.
Classification: Likely benign for Familial cancer of breast. Last evaluated: 2024-05-21. Review status: criteria provided, single submitter. Criteria: Myriad Autosomal Dominant, Autosomal Recessive and X-Linked Classification Criteria (2023). Collection method: clinical testing. Allele origin: unknown.
Comment: This variant is considered likely benign. This variant is intronic and is not expected to impact mRNA splicing.

Labcorp Genetics (formerly Invitae), Labcorp
Classification: Likely benign for Ataxia-telangiectasia syndrome. Last evaluated: 2023-10-23. Review status: criteria provided, single submitter. Criteria: Invitae Variant Classification Sherloc (09022015). Collection method: clinical testing. Allele origin: germline.

Color Diagnostics, LLC DBA Color Health
Classification: Likely benign for Hereditary cancer-predisposing syndrome. Last evaluated: 2020-11-10. Review status: criteria provided, single submitter. Criteria: ACMG Guidelines, 2015. Collection method: clinical testing. Allele origin: germline.